The following is an entry in ClinVar:

NC_000011.9:g.(?_34978911)_(34979150_?)del

Gene: PDHX (pyruvate dehydrogenase complex component X; plus strand). Cytogenetic location: 11p13.
Variant type: Deletion.
Identifiers: ClinVar variation 2424684 (VCV002424684.3).

ClinVar aggregate classification (germline): Pathogenic (1 of 4 stars; one submission).

Submission:

Labcorp Genetics (formerly Invitae), Labcorp
Classification: Pathogenic. Last evaluated: 2022-06-26. Review status: criteria provided, single submitter. Criteria: Invitae Variant Classification Sherloc (09022015). Collection method: clinical testing. Allele origin: germline.
Comment: For these reasons, this variant has been classified as Pathogenic. This variant has not been reported in the literature in individuals affected with PDHX-related conditions. This variant is a gross deletion of the genomic region encompassing exon(s) 4 of the PDHX gene. This deletion is out-of-frame, and is expected to create a premature termination codon and result in an absent or disrupted protein product. Loss-of-function variants in PDHX are known to be pathogenic (PMID: 16904023, 21914562).

Literature cited by the submitters: PubMed 16904023; PubMed 21914562.